The following is an entry in ClinVar:

NM_004752.4(GCM2):c.140G>T (p.Arg47Leu)

Gene: GCM2 (GCM transcription factor 2; minus strand). Cytogenetic location: 6p24.2.
Variant type: single nucleotide variant.
Coding change: c.140G>T on transcript NM_004752.4 (MANE Select); coding-DNA position 140, G replaced by T.
Protein change: p.Arg47Leu; replaces arginine 47 with leucine.
Molecular consequence: missense variant.
Genome position (GRCh38, 1-based): chr6:10,877,343, C>A on the plus strand (G>T on the coding strand, the complement: GCM2 is on the minus strand). VCF-style: chr6-10877343-C-A. GRCh37 (hg19) VCF-style: chr6-10877576-C-A.
Other names: c.140G>T (NM_004752.3); short protein forms R47L.
Identifiers: ClinVar variation 6091 (VCV000006091.8), dbSNP rs104893959, ClinGen allele CA117936.

ClinVar aggregate classification (germline): Pathogenic. Review status: criteria provided, multiple submitters, no conflicts (2 of 4 stars). 4 submissions from 4 submitters: Pathogenic (3). 1 of the submissions does not count toward it. Last evaluated 2025-09-08.

Conditions:
GCM2-related disorder. Also called: GCM2-related condition.
Hypoparathyroidism, familial isolated, 2. Identifiers: MedGen C5394383, MONDO:0020798, OMIM 618883.

gnomAD v4.1: 19 of 1,614,120 alleles (0.0012%); highest among the groups gnomAD compares: South Asian, 0.021%; no homozygotes.

Submissions (4):

PreventionGenetics, part of Exact Sciences
Classification: Pathogenic for GCM2-related condition. Last evaluated: 2025-09-08. Review status: criteria provided, single submitter. Criteria: ACMG Guidelines, 2015. Collection method: clinical testing. Allele origin: germline.
Comment: The GCM2 c.140G>T variant is predicted to result in the amino acid substitution p.Arg47Leu. This variant has been reported in the homozygous state in individuals with autosomal recessive hypoparathyroidism (Baumber et al. 2005. PubMed ID: 15863676; Canaff et al. 2009. PubMed ID: 18712808; Bowl et al. 2010. PubMed ID: 20190276). In vitro studies consistently demonstrate that expression of this variant abolishes DNA binding and transactivation activity (Baumber et al. 2005. PubMed ID: 15863676; Maret et al. 2008. PubMed ID: 18182452). This variant is reported in 0.016% of alleles in individuals of South Asian descent in gnomAD. Taken together, the c.140G>T (p.Arg47Leu) variant is interpreted as pathogenic.

Labcorp Genetics (formerly Invitae), Labcorp
Classification: Pathogenic. Last evaluated: 2024-06-11. Review status: criteria provided, single submitter. Criteria: Invitae Variant Classification Sherloc (09022015). Collection method: clinical testing. Allele origin: germline.
Comment: This sequence change replaces arginine, which is basic and polar, with leucine, which is neutral and non-polar, at codon 47 of the GCM2 protein (p.Arg47Leu). This variant is present in population databases (rs104893959, gnomAD 0.02%). This missense change has been observed in individual(s) with autosomal recessive hypoparathyroidism (PMID: 15863676). It has also been observed to segregate with disease in related individuals. ClinVar contains an entry for this variant (Variation ID: 6091). Advanced modeling of protein sequence and biophysical properties (such as structural, functional, and spatial information, amino acid conservation, physicochemical variation, residue mobility, and thermodynamic stability) performed at Invitae indicates that this missense variant is expected to disrupt GCM2 protein function with a positive predictive value of 80%. This variant disrupts the p.Arg47 amino acid residue in GCM2. Other variant(s) that disrupt this residue have been determined to be pathogenic (PMID: 31671402; Invitae). This suggests that this residue is clinically significant, and that variants that disrupt this residue are likely to be disease-causing. For these reasons, this variant has been classified as Pathogenic.

Blueprint Genetics
Classification: Pathogenic for GCM2-related disorders. Last evaluated: 2021-05-28. Review status: criteria provided, single submitter. Criteria: ACMG Guidelines, 2015. Collection method: clinical testing. Allele origin: germline. Affected: yes. Observed: 2 variant alleles.

OMIM
Classification: Pathogenic for HYPOPARATHYROIDISM, FAMILIAL ISOLATED, 2. Last evaluated: 2010-05-15. Review status: no assertion criteria provided. Collection method: literature only. Allele origin: germline. Not counted in ClinVar's aggregate classification.

Literature cited by the submitters: PubMed 15863676 (cited by Labcorp Genetics (formerly Invitae), Labcorp and OMIM); PubMed 31671402 (cited by Labcorp Genetics (formerly Invitae), Labcorp); Bowl, M. R., Mirczuk, S. M., Grigorieva, I. V., Piret, S. E., Cranston, T., Southam, L., Allgrove, J., Bahl, S., Brain, C., Loughlin, J., Mughal, Z., Ryan, F., Shaw, N., Thakker, Y. V., Tiosano, D., Nesbit, M. A., Thakker, R. V. Identification and characterization of novel parathyroid-specific transcription factor glial cells missing homolog B (GCMB) mutations in eight families with autosomal recessive hypoparathyroidism. Hum. Molec. Genet. 19: 2028-2038, 2010. (cited by OMIM).